The following is an entry in ClinVar:

ClinVar aggregate classification (germline): Uncertain significance (1 of 4 stars; one submission).

Conditions:
Peroxisome biogenesis disorder 2B (PBD2B). Identifiers: Orphanet 44, MedGen C3550234, MONDO:0008736, OMIM 202370.

Allele frequency attached by ClinVar (database versions not stated): gnomAD 0.00001.
gnomAD v4.1: 3 of 1,613,960 alleles (0.00019%); highest among the groups gnomAD compares: African/African-American, 0.0013%; no homozygotes.

Submission:

Labcorp Genetics (formerly Invitae), Labcorp
Classification: Uncertain significance for Peroxisome biogenesis disorder 2B. Last evaluated: 2022-03-19. Review status: criteria provided, single submitter. Criteria: Invitae Variant Classification Sherloc (09022015). Collection method: clinical testing. Allele origin: germline.
Comment: This sequence change falls in intron 15 of the PEX5 gene. It does not directly change the encoded amino acid sequence of the PEX5 protein. It affects a nucleotide within the consensus splice site. This variant is present in population databases (no rsID available, gnomAD 0.007%). This variant has not been reported in the literature in individuals affected with PEX5-related conditions. Variants that disrupt the consensus splice site are a relatively common cause of aberrant splicing (PMID: 17576681, 9536098). Algorithms developed to predict the effect of sequence changes on RNA splicing suggest that this variant is not likely to affect RNA splicing. In summary, the available evidence is currently insufficient to determine the role of this variant in disease. Therefore, it has been classified as a Variant of Uncertain Significance.

Literature cited by the submitters: PubMed 17576681; PubMed 9536098.

NM_001351132.2(PEX5):c.1718+6A>C

Gene: PEX5 (peroxisomal biogenesis factor 5; plus strand). Cytogenetic location: 12p13.31.
Variant type: single nucleotide variant.
Coding change: c.1718+6A>C on transcript NM_001351132.2 (MANE Select); 6 bases into the intron after coding-DNA position 1718, A replaced by C.
Molecular consequence: intron variant.
Genome position (GRCh38, 1-based): chr12:7,209,846, A>C. VCF-style: chr12-7209846-A-C. GRCh37 (hg19) VCF-style: chr12-7362442-A-C.
Other names: c.1607+6A>C (NM_001351124.3, NM_001351126.2, NM_001374646.1 and 7 more transcripts); c.1718+6A>C (NM_001131026.2, NM_001351131.2, NM_001374647.2 and 4 more transcripts); c.1583+6A>C (NM_001374649.2, NM_001351140.2, NM_001351139.2); c.1652+6A>C (NM_001351135.3, NM_001351138.2); c.1763+6A>C (NM_001131023.2); c.1709+6A>C (NM_001351136.2); c.1694+6A>C (NM_000319.5).
Identifiers: ClinVar variation 1508582 (VCV001508582.3), dbSNP rs764840661, ClinGen allele CA603488603.